The following is an entry in ClinVar:

ClinVar aggregate classification (germline): Likely benign (1 of 4 stars; one submission).

Submission:

CeGaT Center for Human Genetics Tuebingen
Classification: Likely benign. Last evaluated: 2025-11-01. Review status: criteria provided, single submitter. Criteria: CeGaT Center For Human Genetics Tuebingen Variant Classification Criteria Version 2. Collection method: clinical testing. Allele origin: germline. Affected: yes. Observed: 1 variant allele.
Comment: THOC3: BP4, BP7

NM_032361.4(THOC3):c.1029G>A (p.Lys343=)

Gene: THOC3 (THO complex subunit 3; minus strand). Cytogenetic location: 5q35.2.
Variant type: single nucleotide variant.
Coding change: c.1029G>A on transcript NM_032361.4 (MANE Select); coding-DNA position 1029, G replaced by A.
Protein change: p.Lys343=; no amino-acid change (lysine 343 retained).
Molecular consequence: synonymous variant.
Genome position (GRCh38, 1-based): chr5:175,959,996, C>T on the plus strand (G>A on the coding strand, the complement: THOC3 is on the minus strand). VCF-style: chr5-175959996-C-T. GRCh37 (hg19) VCF-style: chr5-175386999-C-T.
Identifiers: ClinVar variation 4533536 (VCV004533536.6).